The following is an entry in ClinVar:

ClinVar aggregate classification (germline): Uncertain significance (1 of 4 stars; one submission).

Allele frequency attached by ClinVar (database versions not stated): gnomAD exomes below 0.00001.
gnomAD v4.1: 4 of 1,614,138 alleles (0.00025%); highest among the groups gnomAD compares: Non-Finnish European, 0.00034%; no homozygotes.

Submission:

GeneDx
Classification: Uncertain significance. Last evaluated: 2023-01-19. Review status: criteria provided, single submitter. Criteria: GeneDx Variant Classification Process June 2021. Collection method: clinical testing. Allele origin: germline. Affected: yes.
Comment: Not observed at significant frequency in large population cohorts (gnomAD); In silico analysis supports that this missense variant has a deleterious effect on protein structure/function; Has not been previously published as pathogenic or benign to our knowledge

NM_005121.3(MED13):c.715T>G (p.Phe239Val)

Gene: MED13 (mediator complex subunit 13; minus strand). Cytogenetic location: 17q23.2.
Variant type: single nucleotide variant.
Coding change: c.715T>G on transcript NM_005121.3 (MANE Select); coding-DNA position 715, T replaced by G.
Protein change: p.Phe239Val; replaces phenylalanine 239 with valine.
Molecular consequence: missense variant.
Genome position (GRCh38, 1-based): chr17:62,033,886, A>C on the plus strand (T>G on the coding strand, the complement: MED13 is on the minus strand). VCF-style: chr17-62033886-A-C. GRCh37 (hg19) VCF-style: chr17-60111247-A-C.
Other names: short protein forms F239V.
Identifiers: ClinVar variation 2573783 (VCV002573783.1), dbSNP rs2509166452, ClinGen allele CA400786196.